The following is an entry in ClinVar:

NM_004370.6(COL12A1):c.6599G>A (p.Gly2200Asp)

Gene: COL12A1 (collagen type XII alpha 1 chain; minus strand). Cytogenetic location: 6q13.
Variant type: single nucleotide variant.
Coding change: c.6599G>A on transcript NM_004370.6 (MANE Select); coding-DNA position 6599, G replaced by A.
Protein change: p.Gly2200Asp; replaces glycine 2200 with aspartic acid.
Molecular consequence: missense variant.
Genome position (GRCh38, 1-based): chr6:75,125,135, C>T on the plus strand (G>A on the coding strand, the complement: COL12A1 is on the minus strand). VCF-style: chr6-75125135-C-T. GRCh37 (hg19) VCF-style: chr6-75834851-C-T.
Other names: c.3107G>A, p.Gly1036Asp (NM_080645.3); short protein forms G1036D, G2200D.
Identifiers: ClinVar variation 1318950 (VCV001318950.2), dbSNP rs2149375411, ClinGen allele CA364729271.

ClinVar aggregate classification (germline): Uncertain significance (1 of 4 stars; one submission).

Submission:

GeneDx
Classification: Uncertain significance. Last evaluated: 2019-09-17. Review status: criteria provided, single submitter. Criteria: GeneDx Variant Classification Process June 2021. Collection method: clinical testing. Allele origin: germline. Affected: yes.
Comment: Has not been previously published as pathogenic or benign to our knowledge; Not observed in large population cohorts (Lek et al., 2016); In silico analysis, which includes protein predictors and evolutionary conservation, supports a deleterious effect